The following is an entry in ClinVar:

ClinVar aggregate classification (germline): Uncertain significance (1 of 4 stars; one submission).

Conditions:
Charcot-Marie-Tooth disease axonal type 2O. Also called: CHARCOT-MARIE-TOOTH NEUROPATHY, AXONAL, TYPE 2O; CHARCOT-MARIE-TOOTH DISEASE, AXONAL, AUTOSOMAL DOMINANT, TYPE 2O; Charcot-Marie-Tooth Neuropathy Type 2O; Charcot-Marie-Tooth disease, axonal, type 20. Identifiers: Orphanet 284232, MedGen C3280220, MONDO:0013644, OMIM 614228.

gnomAD v4.1: 8 of 1,613,764 alleles (0.0005%); highest among the groups gnomAD compares: Non-Finnish European, 0.00068%; no homozygotes.

Submission:

Labcorp Genetics (formerly Invitae), Labcorp
Classification: Uncertain significance for Charcot-Marie-Tooth disease axonal type 2O. Last evaluated: 2025-08-29. Review status: criteria provided, single submitter. Criteria: Invitae Variant Classification Sherloc (09022015). Collection method: clinical testing. Allele origin: germline.
Comment: This sequence change replaces asparagine, which is neutral and polar, with aspartic acid, which is acidic and polar, at codon 102 of the DYNC1H1 protein (p.Asn102Asp). This variant is not present in population databases (gnomAD no frequency). This variant has not been reported in the literature in individuals affected with DYNC1H1-related conditions. Invitae Evidence Modeling of protein sequence and biophysical properties (such as structural, functional, and spatial information, amino acid conservation, physicochemical variation, residue mobility, and thermodynamic stability) indicates that this missense variant is not expected to disrupt DYNC1H1 protein function with a negative predictive value of 95%. In summary, the available evidence is currently insufficient to determine the role of this variant in disease. Therefore, it has been classified as a Variant of Uncertain Significance.

NM_001376.5(DYNC1H1):c.304A>G (p.Asn102Asp)

Gene: DYNC1H1 (dynein cytoplasmic 1 heavy chain 1; plus strand). Cytogenetic location: 14q32.31.
Variant type: single nucleotide variant.
Coding change: c.304A>G on transcript NM_001376.5 (MANE Select); coding-DNA position 304, A replaced by G.
Protein change: p.Asn102Asp; replaces asparagine 102 with aspartic acid.
Molecular consequence: missense variant.
Genome position (GRCh38, 1-based): chr14:101,975,759, A>G. VCF-style: chr14-101975759-A-G. GRCh37 (hg19) VCF-style: chr14-102442096-A-G.
Other names: short protein forms N102D.
Identifiers: ClinVar variation 4749512 (VCV004749512.1).
Genomic context (GRCh38, chr14:101,975,759, plus strand): 5'-TTATGATTTGTAGAGGACGTCGGTGATGAAGGAGAAGAAGAAAAAGAATTCATTTCCTAT[A>G]ACATCAACATAGACATTCATTATGGGGTTAAATCCAATAGGTGAGTAGTACAAATATTAC-3'
Protein context (NP_001367.2, residues 92-112): GEEEKEFISY[Asn102Asp]INIDIHYGVK